The following is an entry in ClinVar:

ClinVar aggregate classification (germline): Benign. Review status: criteria provided, multiple submitters, no conflicts (2 of 4 stars). 3 submissions from 3 submitters: Benign (3). Last evaluated 2024-11-27.

Conditions:
Deficiency of phosphoserine phosphatase (PSPHD). Also called: PSPH deficiency; Phosphoserine phosphatase deficiency. Identifiers: Orphanet 79350, MedGen C1291463, MONDO:0013531, OMIM 614023.

Allele frequency attached by ClinVar (database versions not stated): ExAC 0.20277.

Submissions (3):

Blueprint Genetics
Classification: Benign. Last evaluated: 2024-11-27. Review status: criteria provided, single submitter. Criteria: ACMG Guidelines, 2015. Collection method: clinical testing. Allele origin: germline.

Illumina Laboratory Services, Illumina
Classification: Benign for Deficiency of phosphoserine phosphatase. Last evaluated: 2018-01-12. Review status: criteria provided, single submitter. Criteria: ICSL Variant Classification Criteria 13 December 2019. Collection method: clinical testing. Allele origin: germline.
Comment: This variant was observed in the ICSL laboratory as part of a predisposition screen in an ostensibly healthy population. It had not been previously curated by ICSL or reported in the Human Gene Mutation Database (HGMD: prior to June 1st, 2018), and was therefore a candidate for classification through an automated scoring system. Utilizing variant allele frequency, disease prevalence and penetrance estimates, and inheritance mode, an automated score was calculated to assess if this variant is too frequent to cause the disease. Based on the score and internal cut-off values, a variant classified as benign is not then subjected to further curation. The score for this variant resulted in a classification of benign for this disease.

Breakthrough Genomics
Classification: Benign. Review status: criteria provided, single submitter. Criteria: ACMG Guidelines, 2015. Collection method: not provided. Allele origin: germline. Inheritance: Autosomal recessive inheritance. Affected: yes.

NM_004577.4(PSPH):c.117C>T (p.Gly39=)

Gene: PSPH (phosphoserine phosphatase; minus strand). Cytogenetic location: 7p11.2.
Variant type: single nucleotide variant.
Coding change: c.117C>T on transcript NM_004577.4 (MANE Select); coding-DNA position 117, C replaced by T.
Protein change: p.Gly39=; no amino-acid change (glycine 39 retained).
Molecular consequence: synonymous variant.
Genome position (GRCh38, 1-based): chr7:56,021,096, G>A on the plus strand (C>T on the coding strand, the complement: PSPH is on the minus strand). VCF-style: chr7-56021096-G-A. GRCh37 (hg19) VCF-style: chr7-56088789-G-A.
Other names: c.117C>T, p.Gly39= (NM_001370503.1, NM_001370504.1, NM_001370505.1 and 17 more transcripts).
Identifiers: ClinVar variation 360513 (VCV000360513.7), dbSNP rs199851385, ClinGen allele CA4268811.